The following is an entry in ClinVar:

NM_021830.5(TWNK):c.2044C>T (p.Arg682Cys)

Gene: TWNK (twinkle mtDNA helicase; plus strand). Cytogenetic location: 10q24.31.
Variant type: single nucleotide variant.
Coding change: c.2044C>T on transcript NM_021830.5 (MANE Select); coding-DNA position 2044, C replaced by T.
Protein change: p.Arg682Cys; replaces arginine 682 with cysteine.
Molecular consequence: missense variant. On other transcripts: 3 prime UTR variant (2), non-coding transcript variant (5).
Genome position (GRCh38, 1-based): chr10:100,993,499, C>T. VCF-style: chr10-100993499-C-T. GRCh37 (hg19) VCF-style: chr10-102753256-C-T.
Other names: c.*339C>T (NM_001163812.2, NM_001163814.2); c.682C>T, p.Arg228Cys (NM_001163813.2, NM_001368275.1); short protein forms R228C, R682C.
Identifiers: ClinVar variation 2573604 (VCV002573604.1), dbSNP rs1160844253, ClinGen allele CA378212946.

ClinVar aggregate classification (germline): Uncertain significance (1 of 4 stars; one submission).

Allele frequency attached by ClinVar (database versions not stated): gnomAD exomes below 0.00001; gnomAD 0.00001; TOPMed 0.00001.
gnomAD v4.1: 7 of 1,614,022 alleles (0.00043%); highest among the groups gnomAD compares: African/African-American, 0.0027%; no homozygotes.

Submission:

Women's Health and Genetics/Laboratory Corporation of America, LabCorp
Classification: Uncertain significance. Last evaluated: 2023-06-23. Review status: criteria provided, single submitter. Criteria: LabCorp Variant Classification Summary - May 2015. Collection method: clinical testing. Allele origin: germline.
Comment: Variant summary: C10orf2 c.2044C>T (p.Arg682Cys) results in a non-conservative amino acid change in the encoded protein sequence. Four of five in-silico tools predict a benign effect of the variant on protein function. The variant was absent in 250398 control chromosomes. The available data on variant occurrences in the general population are insufficient to allow any conclusion about variant significance. To our knowledge, no occurrence of c.2044C>T in individuals affected with C10orf2-related conditions and no experimental evidence demonstrating its impact on protein function have been reported. No submitters have cited clinical-significance assessments for this variant to ClinVar after 2014. Based on the evidence outlined above, the variant was classified as uncertain significance.